The following continues an entry in ClinVar:

NM_000540.3(RYR1):c.11315G>A (p.Arg3772Gln)

Gene: RYR1. ClinVar aggregate classification (germline): Pathogenic/Likely pathogenic. Pathogenic (1); Likely pathogenic (1).

Submissions 7 to 18 of 18:

Revvity Omics, Revvity
Classification: Pathogenic. Last evaluated: 2025-03-25. Review status: criteria provided, single submitter. Criteria: ACMG Guidelines, 2015. Collection method: clinical testing. Allele origin: germline. Not counted in ClinVar's aggregate classification.

Institute of Human Genetics, University of Leipzig Medical Center
Classification: Likely pathogenic for Malignant hyperthermia, susceptibility to, 1. Last evaluated: 2024-10-23. Review status: criteria provided, single submitter. Criteria: ACMG Guidelines, 2015. Collection method: clinical testing. Allele origin: unknown. Inheritance: Autosomal dominant inheritance. Affected: yes. Not counted in ClinVar's aggregate classification.
Comment: Criteria applied: PP1_STR,PS4_MOD,PP3_MOD,BS2_MOD

Color Diagnostics, LLC DBA Color Health
Classification: Pathogenic for Malignant hyperthermia, susceptibility to, 1. Last evaluated: 2024-07-19. Review status: criteria provided, single submitter. Criteria: ACMG Guidelines, 2015. Collection method: clinical testing. Allele origin: germline. Not counted in ClinVar's aggregate classification.
Comment: This missense variant replaces arginine with glutamine at codon 3772 of the RYR1 protein. Computational prediction suggests that this variant may have deleterious impact on protein structure and function. To our knowledge, functional studies have not been reported for this variant. This variant has been reported in at least eight unrelated individuals affected with malignant hyperthermia susceptibility (PMID: 19645060, 22473935, 30236257, 33564012). It has been shown that this variant segregates with the disease in in eight members of one of these families (PMID: 19645060). Additionally, congenital myopathies have been observed in multiple homozygous or compound heterozygous carriers, some of whom were also diagnosed with hyperthermia susceptibility (PMID: 18253926, 19645060, 21911697, 22473935, 23394784, 23553787). This variant has been identified in 5/281314 chromosomes in the general population by the Genome Aggregation Database (gnomAD). Based on the available evidence, this variant is classified as Pathogenic.

Rady Children's Institute for Genomic Medicine, Rady Children's Hospital San Diego
Classification: Pathogenic for RYR1-Related Disorders. Last evaluated: 2024-04-24. Review status: criteria provided, single submitter. Criteria: ACMG Guidelines, 2015. Collection method: clinical testing. Allele origin: germline. Affected: yes. Not counted in ClinVar's aggregate classification.
Comment: The c.11315G>A (p.Arg3772Gln) variant affects a highly conserved amino acid and is predicted by multiple in silico tools to have a deleterious effect on protein function. This variant has been previously reported as a heterozygous change in individuals with malignant hyperthermia (PMID: 19645060, 30236257) and as a homozygous and compound heterozygous change in individuals with RYR1-related myopathies (PMID: 17483490, 19645060, 23553787, 18253926). A different amino acid change at the same residue (p.Arg3772Gln) have been previously reported in individuals with malignant hyperthermia and RYR1-related myopathy (PMID: 19191329, 21795085, 23919265, 24091937, 30611313). It is present in the heterozygous state in the gnomAD v4 population database at a frequency of 0.0004% (7/1613530) and thus is presumed to be rare. Based on the available evidence, the c.11315G>A (p.Arg3772Gln) variant is classified as Pathogenic.

All of Us Research Program, National Institutes of Health
Classification: Likely pathogenic for Malignant hyperthermia, susceptibility to, 1. Last evaluated: 2023-11-28. Review status: criteria provided, single submitter. Criteria: ACMG Guidelines, 2015. Collection method: clinical testing. Allele origin: germline. Inheritance: Autosomal dominant inheritance. Observed: 1 variant allele, 1 heterozygote. Not counted in ClinVar's aggregate classification.
Comment: This variant has been reported in multiple individuals with malignant hyperthermia susceptibility (PMID: 19645060, 30236257, 17483490, 22473935, 23553787, 35849058). This variant is present in 5/281314 total alleles in the Genome Aggregation Database. This variant has been reported to co-segregate with disease in seven affected individuals (PMID: 19645060, 22473935). This variant is predicted to be deleterious by in silico analysis.

This study involves interpretation of variants in research participants for the purpose of population health screening. Participant phenotype was not available at the time of variant classification. Additional details can be found in publication PMID: 35346344, PMCID: PMC8962531

Ambry Genetics
Classification: Likely pathogenic for Inborn genetic diseases. Last evaluated: 2023-05-05. Review status: criteria provided, single submitter. Criteria: Ambry Variant Classification Scheme 2023. Collection method: clinical testing. Allele origin: germline. Not counted in ClinVar's aggregate classification.
Comment: The c.11315G>A (p.R3772Q) alteration is located in exon 79 (coding exon 79) of the RYR1 gene. This alteration results from a G to A substitution at nucleotide position 11315, causing the arginine (R) at amino acid position 3772 to be replaced by a glutamine (Q)._x000D_ _x000D_ Based on the available evidence, the RYR1 c.11315G>A (p.R3772Q) alteration is classified as likely pathogenic for autosomal dominant malignant hyperthermia susceptibility (MHS) and autosomal recessive RYR1-related myopathy; however, its clinical significance for autosomal dominant RYR1-related myopathy is unclear. Based on data from gnomAD, the A allele has an overall frequency of 0.002% (5/281314) total alleles studied. This variant has been reported in multiple unrelated individuals who had a positive in vitro contracture test (IVCT) or caffeine halothane contracture test (CHCT), or who have a personal or family history of a malignant hyperthermia reaction (Zhou, 2007; Carpenter, 2009; Klein, 2012; Miller, 2018). In addition, this alteration has been observed in the homozygous or compound heterozygous state in multiple individuals with myopathy (Zhou, 2007; Monnier, 2008; Carpenter, 2009; Klein, 2012; Hwang, 2012; Maggi, 2013; Stehl&iacute;kov&aacute;, 2017; Miller, 2018; Babi Boovi, 2021). This variant has been observed to segregate with autosomal dominant malignant hyperthermia susceptibility (MHS) and/or autosomal recessive myopathy in multiple families (Carpenter, 2009; Klein, 2012). This amino acid position is highly conserved in available vertebrate species. The in silico prediction for this alteration is inconclusive. Based on the available evidence, this alteration is classified as likely pathogenic.

GeneDx
Classification: Pathogenic. Last evaluated: 2023-01-06. Review status: criteria provided, single submitter. Criteria: GeneDx Variant Classification Process June 2021. Collection method: clinical testing. Allele origin: germline. Affected: yes. Not counted in ClinVar's aggregate classification.
Comment: Not observed at significant frequency in large population cohorts (gnomAD); In silico analysis supports that this missense variant has a deleterious effect on protein structure/function; This variant is associated with the following publications: (PMID: 30236257, 23919265, 19191329, 18253926, 21911697, 21795085, 23553787, 23394784, 27447704, 27377473, 23069638, 31447099, 24091937, 21062345, 30689883, 22473935, 19645060, 17483490, 34106991)

Laboratory for Molecular Medicine, Mass General Brigham Personalized Medicine
Classification: Pathogenic for Neuromuscular Diseases; Malignant hyperthermia of anesthesia. Last evaluated: 2017-11-01. Review status: criteria provided, single submitter. Criteria: LMM Criteria. Collection method: clinical testing. Allele origin: germline. Inheritance: Autosomal recessive inheritance. Observed: 1 variant allele. Not counted in ClinVar's aggregate classification.
Comment: The p.Arg3772Gln variant in RYR1 has been reported in the heterozygous state in 1 individual with a malignant hyperthermia susceptibility (MHS) phenotype (Carpe nter 2009) and in the homozygous or compound heterozygous state in at least 10 i ndividuals with congenital myopathy (Zhou 2007, Monnier 2008, Carpenter 2009, Kl ein 2012). Three of the individuals with congenital myopathy also have a MHS phe notype (Zhou 2007, Carpenter 2009, Klein 2012). This variant segregated with mal ignant hyperthermia in 9 affected relatives (8 heterozygotes and 1 homozygote) f rom 3 families (Carpenter 2009, Klein 2012) and with congenital myopathy in the homozygous or compound heterozygous state in 6 affected relatives from 3 familie s, 3 of whom who also had MH (Zhou 2007, Carpenter 2009, Klein 2012). mRNA expr ession studies from muscle biopsies of patients homozygous for the p.Arg3772Gln variant provide some evidence that it causes decreased mRNA expression (Zhou et al. 2013. This variant has been reported by other clinical laboratories in ClinV ar (Variation ID 133012) and has been identified in 2/11052 European chromosomes by the genome Aggregation Database (gnomAD; d bSNP rs193922839). In summary, the p.Arg3772Gln variant meets criteria to be cla ssified as pathogenic for malignant hyperthermia in an autosomal dominant manner and congenital myopathy in an autosomal recessive manner based upon presence in multiple affected individuals, segregation studies, very low frequency in the g eneral population and functional studies.

Genetic Services Laboratory, University of Chicago
Classification: Likely pathogenic. Last evaluated: 2015-10-22. Review status: criteria provided, single submitter. Criteria: ACMG Guidelines, 2015. Collection method: clinical testing. Allele origin: germline. Affected: yes. Not counted in ClinVar's aggregate classification.

Juno Genomics, Hangzhou Juno Genomics, Inc
Classification: Likely pathogenic for Malignant hyperthermia, susceptibility to, 1. Review status: criteria provided, single submitter. Criteria: ACMG Guidelines, 2015. Collection method: clinical testing. Allele origin: germline. Not counted in ClinVar's aggregate classification.
Comment: Multiple lines of computational evidence support a deleterious effect on the gene or gene product.;The prevalence of the variant in affected individuals is significantly increased compared to the prevalence in controls.;Co-segregation with disease in multiple affected family members.;Observed in a healthy adult individual for a recessive/dominant/X-linked disorder with full penetrance.

RYR1 database
No classification provided. Review status: no classification provided. Collection method: not provided. Allele origin: unknown. Not counted in ClinVar's aggregate classification.

Centre for Mendelian Genomics, University Medical Centre Ljubljana
Classification: Uncertain significance for Delayed gross motor development; Pelvic girdle muscle weakness; Progressive distal muscle weakness; Proximal muscle weakness; Scoliosis. Last evaluated: 2014-08-29. Review status: flagged submission. Criteria: ACMG Guidelines, 2015. Collection method: clinical testing. Allele origin: unknown. Affected: yes. Not counted in ClinVar's aggregate classification.
ClinVar note: Reason: Older and outlier claim with insufficient supporting evidence

Literature cited by the submitters: PubMed 17483490 (cited by 5 submitters); PubMed 19645060 (cited by 6 submitters); PubMed 19191329 (cited by Labcorp Genetics (formerly Invitae), Labcorp); PubMed 21062345 (cited by Labcorp Genetics (formerly Invitae), Labcorp); PubMed 23919265 (cited by Labcorp Genetics (formerly Invitae), Labcorp); PubMed 24091937 (cited by Labcorp Genetics (formerly Invitae), Labcorp); PubMed 22473935 (cited by 5 submitters); PubMed 30236257 (cited by 4 submitters); PubMed 18253926 (cited by 3 submitters); PubMed 21911697 (cited by Color Diagnostics, LLC DBA Color Health); PubMed 23394784 (cited by Color Diagnostics, LLC DBA Color Health and Ambry Genetics); PubMed 23553787 (cited by 4 submitters); PubMed 33564012 (cited by Color Diagnostics, LLC DBA Color Health); PubMed 35849058 (cited by All of Us Research Program, National Institutes of Health); PubMed 23069638 (cited by Ambry Genetics); PubMed 27447704 (cited by Ambry Genetics); PubMed 34106991 (cited by Ambry Genetics).